The following is an entry in ClinVar:

NM_001009944.3(PKD1):c.10401A>G (p.Ala3467=)

Gene: PKD1 (polycystin 1, transient receptor potential channel interacting; minus strand). Cytogenetic location: 16p13.3.
Variant type: single nucleotide variant.
Coding change: c.10401A>G on transcript NM_001009944.3 (MANE Select); coding-DNA position 10401, A replaced by G.
Protein change: p.Ala3467=; no amino-acid change (alanine 3467 retained).
Molecular consequence: synonymous variant.
Genome position (GRCh38, 1-based): chr16:2,097,323, T>C on the plus strand (A>G on the coding strand, the complement: PKD1 is on the minus strand). VCF-style: chr16-2097323-T-C. GRCh37 (hg19) VCF-style: chr16-2147324-T-C.
Other names: c.10398A>G, p.Ala3466= (NM_000296.4).
Identifiers: ClinVar variation 4982872 (VCV004982872.1).
Genomic context (GRCh38, chr16:2,097,323, plus strand): 5'-GGTGGGCCCAGCTGCAAGGGTGAGCTTCAGAGCCCCCTCCTCTCACCCCAGCTCACCTGA[T>C]GCTGAGAAGGATTTGGCAGGCGAGTAGGGGCTGGCCAGGGAGAAGCCGTCCTCCTCTGGG-3'
Protein context (NP_001009944.3, residues 3457-3477): SPYSPAKSFS[Ala3467=]SDEDLIQQVL

ClinVar aggregate classification (germline): Likely benign (1 of 4 stars; one submission).

Conditions:
PKD1-related disorder. Also called: PKD1-related condition.

gnomAD v4.1: 12 of 1,612,920 alleles (0.00074%); highest among the groups gnomAD compares: Admixed American, 0.02%; no homozygotes.

Submission:

PreventionGenetics, part of Exact Sciences
Classification: Likely benign for PKD1-related condition. Last evaluated: 2026-08-26. Review status: criteria provided, single submitter. Criteria: ACMG Guidelines, 2015. Collection method: clinical testing. Allele origin: germline.
Comment: This variant is classified as likely benign based on ACMG/AMP sequence variant interpretation guidelines (Richards et al. 2015 PMID: 25741868, with internal and published modifications).